The following is an entry in ClinVar:

ClinVar aggregate classification (germline): Uncertain significance (1 of 4 stars; one submission).

gnomAD v4.1: 5 of 1,603,544 alleles (0.00031%); highest among the groups gnomAD compares: Non-Finnish European, 0.00043%; no homozygotes.

Submission:

Labcorp Genetics (formerly Invitae), Labcorp
Classification: Uncertain significance. Last evaluated: 2022-07-12. Review status: criteria provided, single submitter. Criteria: Invitae Variant Classification Sherloc (09022015). Collection method: clinical testing. Allele origin: germline.
Comment: This variant has not been reported in the literature in individuals affected with MPDZ-related conditions. Algorithms developed to predict the effect of missense changes on protein structure and function output the following: SIFT: "Tolerated"; PolyPhen-2: "Benign"; Align-GVGD: "Class C0". The leucine amino acid residue is found in multiple mammalian species, which suggests that this missense change does not adversely affect protein function. In summary, the available evidence is currently insufficient to determine the role of this variant in disease. Therefore, it has been classified as a Variant of Uncertain Significance. This sequence change replaces methionine, which is neutral and non-polar, with leucine, which is neutral and non-polar, at codon 898 of the MPDZ protein (p.Met898Leu). This variant is not present in population databases (gnomAD no frequency).

NM_001378778.1(MPDZ):c.2692A>T (p.Met898Leu)

Gene: MPDZ (multiple PDZ domain crumbs cell polarity complex component; minus strand). Cytogenetic location: 9p23.
Variant type: single nucleotide variant.
Coding change: c.2692A>T on transcript NM_001378778.1 (MANE Select); coding-DNA position 2692, A replaced by T.
Protein change: p.Met898Leu; replaces methionine 898 with leucine.
Molecular consequence: missense variant.
Genome position (GRCh38, 1-based): chr9:13,176,375, T>A on the plus strand (A>T on the coding strand, the complement: MPDZ is on the minus strand). VCF-style: chr9-13176375-T-A. GRCh37 (hg19) VCF-style: chr9-13176374-T-A.
Other names: c.2692A>T, p.Met898Leu (NM_001261406.2, NM_001261407.2, NM_001330637.2 and 14 more transcripts); short protein forms M898L.
Identifiers: ClinVar variation 1979947 (VCV001979947.4), dbSNP rs201585415, ClinGen allele CA372935442.
Genomic context (GRCh38, chr9:13,176,375, plus strand): 5'-AAGGTGTATTCTCATCCTGTCTTTGCAGGAGATTCTGGGTATATAGTTCCTCCAGAGACA[T>A]ATGCAGATCAAGTACTGGATCACAAGAATTTTCAATAACATCCTGGTAGTTAAAAAACAA-3'
Protein context (NP_001365707.1, residues 888-908): NSCDPVLDLH[Met898Leu]SLEELYTQNL